The following is an entry in ClinVar:

NM_031407.7(HUWE1):c.2228C>G (p.Ser743Cys)

Gene: HUWE1 (HECT, UBA and WWE domain containing E3 ubiquitin protein ligase 1; minus strand). Cytogenetic location: Xp11.22.
Variant type: single nucleotide variant.
Coding change: c.2228C>G on transcript NM_031407.7 (MANE Select); coding-DNA position 2228, C replaced by G.
Protein change: p.Ser743Cys; replaces serine 743 with cysteine.
Molecular consequence: missense variant.
Genome position (GRCh38, 1-based): chrX:53,614,567, G>C on the plus strand (C>G on the coding strand, the complement: HUWE1 is on the minus strand). VCF-style: chrX-53614567-G-C. GRCh37 (hg19) VCF-style: chrX-53641528-G-C.
Other names: short protein forms S743C.
Identifiers: ClinVar variation 2507204 (VCV002507204.1), dbSNP rs2527362391, ClinGen allele CA413144270.
Genomic context (GRCh38, chrX:53,614,567, plus strand): 5'-TAGATGATCTGTTCTGTAAACACTTACTGCTGATTAGGCTCAGTTTCATTTTGCTGGGTA[G>C]AATTAAAGCTCTGCATGGCCTGTACTTCCTCTTCCTCCTCATCCTCACTAGAGGCTTCTT-3'
Protein context (NP_113584.3, residues 733-753): EEVQAMQSFN[Ser743Cys]TQQNETEPNQ

ClinVar aggregate classification (germline): Uncertain significance (1 of 4 stars; one submission).

Submission:

GeneDx
Classification: Uncertain significance. Last evaluated: 2022-12-27. Review status: criteria provided, single submitter. Criteria: GeneDx Variant Classification Process June 2021. Collection method: clinical testing. Allele origin: germline. Affected: yes.
Comment: Not observed at significant frequency in large population cohorts (gnomAD); In silico analysis supports that this missense variant does not alter protein structure/function; Has not been previously published as pathogenic or benign to our knowledge